The following is an entry in ClinVar:

ClinVar aggregate classification (germline): Likely pathogenic (1 of 4 stars; one submission).

Conditions:
PHGDH deficiency. Identifiers: Orphanet 79351, MedGen C1866174, MONDO:0011152, OMIM 601815.

Submission:

Labcorp Genetics (formerly Invitae), Labcorp
Classification: Likely pathogenic for PHGDH deficiency. Last evaluated: 2024-11-26. Review status: criteria provided, single submitter. Criteria: Invitae Variant Classification Sherloc (09022015). Collection method: clinical testing. Allele origin: germline.
Comment: This sequence change affects an acceptor splice site in intron 2 of the PHGDH gene. It is expected to disrupt RNA splicing. Variants that disrupt the donor or acceptor splice site typically lead to a loss of protein function (PMID: 16199547), and loss-of-function variants in PHGDH are known to be pathogenic (PMID: 14645240, 24836451). This variant is not present in population databases (gnomAD no frequency). This variant has not been reported in the literature in individuals affected with PHGDH-related conditions. ClinVar contains an entry for this variant (Variation ID: 1347216). Algorithms developed to predict the effect of sequence changes on RNA splicing suggest that this variant may disrupt the consensus splice site. In summary, the currently available evidence indicates that the variant is pathogenic, but additional data are needed to prove that conclusively. Therefore, this variant has been classified as Likely Pathogenic.

Literature cited by the submitters: PubMed 16199547; PubMed 14645240; PubMed 24836451.

NM_006623.4(PHGDH):c.291-1G>A

Gene: PHGDH (phosphoglycerate dehydrogenase; plus strand). Cytogenetic location: 1p12.
Variant type: single nucleotide variant.
Coding change: c.291-1G>A on transcript NM_006623.4 (MANE Select); the canonical splice acceptor site of the intron before coding-DNA position 291, G replaced by A.
Molecular consequence: splice acceptor variant.
Genome position (GRCh38, 1-based): chr1:119,723,375, G>A. VCF-style: chr1-119723375-G-A. GRCh37 (hg19) VCF-style: chr1-120265998-G-A.
Identifiers: ClinVar variation 1347216 (VCV001347216.6), dbSNP rs2101160151, ClinGen allele CA341847368.